The following is an entry in ClinVar:

ClinVar aggregate classification (germline): Conflicting classifications of pathogenicity. Review status: criteria provided, conflicting classifications (1 of 4 stars). 5 submissions from 5 submitters: Uncertain significance (1); Likely benign (4). Last evaluated 2026-01-26.

Conditions:
Colorectal cancer, susceptibility to, 12 (CRCS12). Also called: COLORECTAL CANCER, SUSCEPTIBILITY TO, ON CHROMOSOME 12q24. Identifiers: Orphanet 220460, MedGen C3554460, MONDO:0014038, OMIM 615083.
Hereditary cancer-predisposing syndrome. Also called: Neoplastic Syndromes, Hereditary; Tumor predisposition; Hereditary Cancer Syndrome; Hereditary neoplastic syndrome. Identifiers: Orphanet 140162, MedGen C0027672, MeSH D009386, MONDO:0015356.

Allele frequency attached by ClinVar (database versions not stated): gnomAD exomes 0.00001 and 0.00002; ExAC 0.00002; TOPMed 0.00002; gnomAD 0.00003.
gnomAD v4.1: 23 of 1,613,492 alleles (0.0014%); highest among the groups gnomAD compares: Middle Eastern, 0.016%; no homozygotes.

Submissions (5):

Labcorp Genetics (formerly Invitae), Labcorp
Classification: Likely benign. Last evaluated: 2026-01-26. Review status: criteria provided, single submitter. Criteria: Invitae Variant Classification Sherloc (09022015). Collection method: clinical testing. Allele origin: germline.

GeneDx
Classification: Uncertain significance. Last evaluated: 2025-07-01. Review status: criteria provided, single submitter. Criteria: GeneDx Variant Classification Process June 2021. Collection method: clinical testing. Allele origin: germline. Affected: yes.
Comment: In silico analysis supports a deleterious effect on splicing; Has not been previously published as pathogenic or benign to our knowledge

KCCC/NGS Laboratory, Kuwait Cancer Control Center
Classification: Likely benign for Colorectal cancer, susceptibility to, 12. Last evaluated: 2023-07-07. Review status: criteria provided, single submitter. Criteria: ACMG Guidelines, 2015. Collection method: clinical testing. Allele origin: germline. Affected: yes.

Women's Health and Genetics/Laboratory Corporation of America, LabCorp
Classification: Likely benign. Last evaluated: 2021-11-08. Review status: criteria provided, single submitter. Criteria: LabCorp Variant Classification Summary - May 2015. Collection method: clinical testing. Allele origin: germline.

Ambry Genetics
Classification: Likely benign for Hereditary cancer-predisposing syndrome. Last evaluated: 2017-05-11. Review status: criteria provided, single submitter. Criteria: Ambry Variant Classification Scheme 2023. Collection method: clinical testing. Allele origin: germline.

NM_006231.4(POLE):c.5313G>A (p.Thr1771=)

Gene: POLE (DNA polymerase epsilon, catalytic subunit; minus strand). Cytogenetic location: 12q24.33.
Variant type: single nucleotide variant.
Coding change: c.5313G>A on transcript NM_006231.4 (MANE Select); coding-DNA position 5313, G replaced by A.
Protein change: p.Thr1771=; no amino-acid change (threonine 1771 retained).
Molecular consequence: synonymous variant.
Genome position (GRCh38, 1-based): chr12:132,641,712, C>T on the plus strand (G>A on the coding strand, the complement: POLE is on the minus strand). VCF-style: chr12-132641712-C-T. GRCh37 (hg19) VCF-style: chr12-133218298-C-T.
Identifiers: ClinVar variation 484480 (VCV000484480.22), dbSNP rs201803493, ClinGen allele CA6892570.
Genomic context (GRCh38, chr12:132,641,712, plus strand): 5'-GGTGTTAGAGCACAGGGCTGTCTCATCGTAGCTGGCCGGGGCACTGGCAGCCTGACCACC[C>T]GTGATCATGTCCTCCAGGGAGGCCTGCTGGATCACGTCGAAGCTGATCCCCATGCTGTCG-3'
Protein context (NP_006222.2, residues 1761-1781): IQQASLEDMI[Thr1771=]GGQAASAPAS